The following is an entry in ClinVar:

ClinVar aggregate classification (germline): Benign (1 of 4 stars; one submission).

Allele frequency attached by ClinVar (database versions not stated): TOPMed 0.00006; ExAC 0.00127; 1000 Genomes Project 30x 0.00219; 1000 Genomes Project 0.00240.
gnomAD v4.1: 869 of 1,612,790 alleles (0.054%); highest among the groups gnomAD compares: South Asian, 0.9%; 9 homozygotes.

Submission:

CeGaT Center for Human Genetics Tuebingen
Classification: Benign. Last evaluated: 2024-01-01. Review status: criteria provided, single submitter. Criteria: CeGaT Center For Human Genetics Tuebingen Variant Classification Criteria Version 2. Collection method: clinical testing. Allele origin: germline. Affected: yes. Observed: 1 variant allele.
Comment: FZR1: BP4, BP7, BS1, BS2

NM_016263.4(FZR1):c.702C>T (p.Ser234=)

Gene: FZR1 (fizzy and cell division cycle 20 related 1; plus strand). Cytogenetic location: 19p13.3.
Variant type: single nucleotide variant.
Coding change: c.702C>T on transcript NM_016263.4 (MANE Select); coding-DNA position 702, C replaced by T.
Protein change: p.Ser234=; no amino-acid change (serine 234 retained).
Molecular consequence: synonymous variant.
Genome position (GRCh38, 1-based): chr19:3,530,839, C>T. VCF-style: chr19-3530839-C-T. GRCh37 (hg19) VCF-style: chr19-3530837-C-T.
Other names: c.435C>T, p.Ser145= (NM_001136197.1); c.702C>T, p.Ser234= (NM_001136198.1).
Identifiers: ClinVar variation 3025329 (VCV003025329.22), dbSNP rs543234409, ClinGen allele CA9078358.